The following is an entry in ClinVar:

NM_080605.4(B3GALT6):c.522G>C (p.Glu174Asp)

Gene: B3GALT6 (beta-1,3-galactosyltransferase 6; plus strand). Cytogenetic location: 1p36.33.
Variant type: single nucleotide variant.
Coding change: c.522G>C on transcript NM_080605.4 (MANE Select); coding-DNA position 522, G replaced by C.
Protein change: p.Glu174Asp; replaces glutamic acid 174 with aspartic acid.
Molecular consequence: missense variant.
Genome position (GRCh38, 1-based): chr1:1,232,800, G>C. VCF-style: chr1-1232800-G-C. GRCh37 (hg19) VCF-style: chr1-1168180-G-C.
Other names: short protein forms E174D.
Identifiers: ClinVar variation 281204 (VCV000281204.16), dbSNP rs12085009, ClinGen allele CA513372.

ClinVar aggregate classification (germline): Benign/Likely benign. Review status: criteria provided, multiple submitters, no conflicts (2 of 4 stars). 6 submissions from 6 submitters: Benign (5); Likely benign (1). Last evaluated 2026-02-04.

Conditions:
Spondyloepimetaphyseal dysplasia with joint laxity (SEMDJL). Identifiers: MedGen C0432243, MONDO:0019675.
Ehlers-Danlos syndrome, spondylodysplastic type, 2 (EDSSPD2). Also called: Ehlers-Danlos syndrome, progeroid type, 2. Identifiers: Orphanet 536467, Orphanet 75496, MedGen C3809210, MONDO:0014139, OMIM 615349.

Allele frequency attached by ClinVar (database versions not stated): 1000 Genomes Project 0.10663; 1000 Genomes Project 30x 0.11087; gnomAD 0.10007 and 0.09575; ExAC 0.10020; gnomAD exomes 0.09146; TOPMed 0.10048; ESP Exome Variant Server 0.07707.

Submissions (6):

Labcorp Genetics (formerly Invitae), Labcorp
Classification: Benign for Ehlers-Danlos syndrome, spondylodysplastic type, 2; Spondyloepimetaphyseal dysplasia with joint laxity. Last evaluated: 2026-02-04. Review status: criteria provided, single submitter. Criteria: Invitae Variant Classification Sherloc (09022015). Collection method: clinical testing. Allele origin: germline.

Women's Health and Genetics/Laboratory Corporation of America, LabCorp
Classification: Likely benign. Last evaluated: 2026-01-22. Review status: criteria provided, single submitter. Criteria: LabCorp Variant Classification Summary - May 2015. Collection method: clinical testing. Allele origin: germline.

Mayo Clinic Laboratories, Mayo Clinic
Classification: Benign. Last evaluated: 2022-12-31. Review status: criteria provided, single submitter. Criteria: ACMG Guidelines, 2015. Collection method: clinical testing. Allele origin: germline. Observed: 247 variant alleles.

GeneDx
Classification: Benign. Last evaluated: 2016-10-18. Review status: criteria provided, single submitter. Criteria: GeneDx Variant Classification (06012015). Collection method: clinical testing. Allele origin: germline. Affected: yes.
Comment: This variant is considered likely benign or benign based on one or more of the following criteria: it is a conservative change, it occurs at a poorly conserved position in the protein, it is predicted to be benign by multiple in silico algorithms, and/or has population frequency not consistent with disease.

Eurofins Ntd Llc (ga)
Classification: Benign. Last evaluated: 2016-03-04. Review status: criteria provided, single submitter. Criteria: EGL Classification Definitions 2015. Collection method: clinical testing. Allele origin: germline. Observed: 6 variant alleles, 5 heterozygotes, 1 homozygote.

Breakthrough Genomics
Classification: Benign. Review status: criteria provided, single submitter. Criteria: ACMG Guidelines, 2015. Collection method: not provided. Allele origin: germline. Inheritance: Autosomal recessive inheritance. Affected: yes.